The following is an entry in ClinVar:

NM_006080.3(SEMA3A):c.625C>G (p.His209Asp)

Gene: SEMA3A (semaphorin 3A; minus strand). Cytogenetic location: 7q21.11.
Variant type: single nucleotide variant.
Coding change: c.625C>G on transcript NM_006080.3 (MANE Select); coding-DNA position 625, C replaced by G.
Protein change: p.His209Asp; replaces histidine 209 with aspartic acid.
Molecular consequence: missense variant.
Genome position (GRCh38, 1-based): chr7:84,046,366, G>C on the plus strand (C>G on the coding strand, the complement: SEMA3A is on the minus strand). VCF-style: chr7-84046366-G-C. GRCh37 (hg19) VCF-style: chr7-83675682-G-C.
Other names: short protein forms H209D.
Identifiers: ClinVar variation 2984459 (VCV002984459.4), dbSNP rs370907802, ClinGen allele CA4322957.
Genomic context (GRCh38, chr7:84,046,366, plus strand): 5'-CTTTCATAAACCACCTACCATTGAGCCACCTGGAATCATGCTGCTCTGTCCTGATTGGGT[G>C]GTGGTGCCCAAGAGTTCGGAAGATAGCAAAGTCTCGCCCCATAAAATCAGCTGCAGTTCC-3'
Protein context (NP_006071.1, residues 199-219): FAIFRTLGHH[His209Asp]PIRTEQHDSR

ClinVar aggregate classification (germline): Uncertain significance. Review status: criteria provided, multiple submitters, no conflicts (2 of 4 stars). 2 submissions from 2 submitters: Uncertain significance (2). Last evaluated 2026-09-16.

Conditions:
SEMA3A-related disorder. Also called: SEMA3A-related condition.

Allele frequency attached by ClinVar (database versions not stated): TOPMed below 0.00001; gnomAD 0.00001; ExAC 0.00002; ESP Exome Variant Server 0.00008.
gnomAD v4.1: 6 of 1,613,140 alleles (0.00037%); highest among the groups gnomAD compares: Admixed American, 0.005%; no homozygotes.

Submissions (2):

PreventionGenetics, part of Exact Sciences
Classification: Uncertain significance for SEMA3A-related condition. Last evaluated: 2026-09-16. Review status: criteria provided, single submitter. Criteria: ACMG Guidelines, 2015. Collection method: clinical testing. Allele origin: germline.
Comment: The SEMA3A c.625C>G variant is predicted to result in the amino acid substitution p.His209Asp. To our knowledge, this variant has not been reported in the literature. This variant is reported in 0.0087% of alleles in individuals of Latino descent in gnomAD. At this time, the clinical significance of this variant is uncertain due to the absence of conclusive functional and genetic evidence.

Labcorp Genetics (formerly Invitae), Labcorp
Classification: Uncertain significance. Last evaluated: 2023-10-24. Review status: criteria provided, single submitter. Criteria: Invitae Variant Classification Sherloc (09022015). Collection method: clinical testing. Allele origin: germline.
Comment: This sequence change replaces histidine, which is basic and polar, with aspartic acid, which is acidic and polar, at codon 209 of the SEMA3A protein (p.His209Asp). This variant is present in population databases (rs370907802, gnomAD 0.009%). This variant has not been reported in the literature in individuals affected with SEMA3A-related conditions. Advanced modeling of protein sequence and biophysical properties (such as structural, functional, and spatial information, amino acid conservation, physicochemical variation, residue mobility, and thermodynamic stability) performed at Invitae indicates that this missense variant is not expected to disrupt SEMA3A protein function with a negative predictive value of 80%. In summary, the available evidence is currently insufficient to determine the role of this variant in disease. Therefore, it has been classified as a Variant of Uncertain Significance.